The following is an entry in ClinVar:

ClinVar aggregate classification (germline): no classifications from unflagged records (0 of 4 stars; one submission).

Conditions:
Congenital myopathy with reduced type 2 muscle fibers. Also called: CONGENITAL MYOPATHY 14; MYOPATHY, CONGENITAL, WITH FAST-TWITCH (TYPE II) FIBER ATROPHY. Identifiers: Orphanet 544602, MedGen C5193081, MONDO:0034109, OMIM 618414.

Allele frequency attached by ClinVar (database versions not stated): TOPMed 0.00001.

Submission:

OMIM
Classification: Pathogenic for CONGENITAL MYOPATHY 14. Last evaluated: 2024-07-16. Review status: flagged submission. Collection method: literature only. Allele origin: germline.
ClinVar note: Notes: Flagging candidate with reason of insufficient supporting evidence. This gene has been classified as having a limited gene-disease relationship by a ClinGen Expert Panel.
ClinVar note: Reason: Other

Literature cited by the submitters: PubMed 30215711.

NM_079420.3(MYL1):c.479-2A>G

Gene: MYL1 (myosin light chain 1; minus strand). Cytogenetic location: 2q34.
Variant type: single nucleotide variant.
Coding change: c.479-2A>G on transcript NM_079420.3 (MANE Select); the canonical splice acceptor site of the intron before coding-DNA position 479, A replaced by G.
Molecular consequence: splice acceptor variant.
Genome position (GRCh38, 1-based): chr2:210,293,802, T>C on the plus strand (A>G on the coding strand, the complement: MYL1 is on the minus strand). VCF-style: chr2-210293802-T-C. GRCh37 (hg19) VCF-style: chr2-211158526-T-C.
Other names: IVS4AS, A-G, -2; c.347-2A>G (NM_079422.3).
Identifiers: ClinVar variation 627413 (VCV000627413.4), dbSNP rs1559659233, ClinGen allele CA350761886.